The following is an entry in ClinVar:

NM_001378778.1(MPDZ):c.658A>T (p.Ile220Phe)

Gene: MPDZ (multiple PDZ domain crumbs cell polarity complex component; minus strand). Cytogenetic location: 9p23.
Variant type: single nucleotide variant.
Coding change: c.658A>T on transcript NM_001378778.1 (MANE Select); coding-DNA position 658, A replaced by T.
Protein change: p.Ile220Phe; replaces isoleucine 220 with phenylalanine.
Molecular consequence: missense variant.
Genome position (GRCh38, 1-based): chr9:13,222,322, T>A on the plus strand (A>T on the coding strand, the complement: MPDZ is on the minus strand). VCF-style: chr9-13222322-T-A. GRCh37 (hg19) VCF-style: chr9-13222321-T-A.
Other names: c.658A>T, p.Ile220Phe (NM_001261406.2, NM_001261407.2, NM_001330637.2 and 14 more transcripts); short protein forms I220F.
Identifiers: ClinVar variation 1410890 (VCV001410890.4), dbSNP rs61753787, ClinGen allele CA4988054.

ClinVar aggregate classification (germline): Uncertain significance. Review status: criteria provided, multiple submitters, no conflicts (2 of 4 stars). 2 submissions from 2 submitters: Uncertain significance (2). Last evaluated 2022-07-11.

gnomAD v4.1: 68 of 1,612,904 alleles (0.0042%); highest among the groups gnomAD compares: African/African-American, 0.089%; 1 homozygote.

Submissions (2):

GeneDx
Classification: Uncertain significance. Last evaluated: 2022-07-11. Review status: criteria provided, single submitter. Criteria: GeneDx Variant Classification Process June 2021. Collection method: clinical testing. Allele origin: germline. Affected: yes.
Comment: In silico analysis supports that this missense variant has a deleterious effect on protein structure/function; Has not been previously published as pathogenic or benign to our knowledge

Labcorp Genetics (formerly Invitae), Labcorp
Classification: Uncertain significance. Last evaluated: 2022-06-28. Review status: criteria provided, single submitter. Criteria: Invitae Variant Classification Sherloc (09022015). Collection method: clinical testing. Allele origin: germline.
Comment: This sequence change replaces isoleucine, which is neutral and non-polar, with phenylalanine, which is neutral and non-polar, at codon 220 of the MPDZ protein (p.Ile220Phe). This variant is present in population databases (rs61753787, gnomAD 0.1%). This variant has not been reported in the literature in individuals affected with MPDZ-related conditions. Algorithms developed to predict the effect of missense changes on protein structure and function are either unavailable or do not agree on the potential impact of this missense change (SIFT: "Deleterious"; PolyPhen-2: "Possibly Damaging"; Align-GVGD: "Class C0"). In summary, the available evidence is currently insufficient to determine the role of this variant in disease. Therefore, it has been classified as a Variant of Uncertain Significance.